The following is an entry in ClinVar:

NM_005186.4(CAPN1):c.1130G>A (p.Arg377Gln)

Gene: CAPN1 (calpain 1; plus strand). Cytogenetic location: 11q13.1.
Variant type: single nucleotide variant.
Coding change: c.1130G>A on transcript NM_005186.4 (MANE Select); coding-DNA position 1130, G replaced by A.
Protein change: p.Arg377Gln; replaces arginine 377 with glutamine.
Molecular consequence: missense variant. On other transcripts: non-coding transcript variant (1).
Genome position (GRCh38, 1-based): chr11:65,188,711, G>A. VCF-style: chr11-65188711-G-A. GRCh37 (hg19) VCF-style: chr11-64956182-G-A.
Other names: c.1130G>A, p.Arg377Gln (NM_001198868.2, NM_001198869.2); c.968G>A, p.Arg323Gln (NM_001198870.1); short protein forms R323Q, R377Q.
Identifiers: ClinVar variation 1914496 (VCV001914496.2), dbSNP rs563834232, ClinGen allele CA223932378.

ClinVar aggregate classification (germline): Uncertain significance (1 of 4 stars; one submission).

Allele frequency attached by ClinVar (database versions not stated): gnomAD 0.00001; TOPMed 0.00001; 1000 Genomes Project 0.00020; 1000 Genomes Project 30x 0.00031.
gnomAD v4.1: 14 of 1,601,020 alleles (0.00087%); highest among the groups gnomAD compares: Admixed American, 0.0034%; no homozygotes.

Submission:

Labcorp Genetics (formerly Invitae), Labcorp
Classification: Uncertain significance. Last evaluated: 2022-01-26. Review status: criteria provided, single submitter. Criteria: Invitae Variant Classification Sherloc (09022015). Collection method: clinical testing. Allele origin: germline.
Comment: This sequence change replaces arginine, which is basic and polar, with glutamine, which is neutral and polar, at codon 377 of the CAPN1 protein (p.Arg377Gln). This variant is present in population databases (rs563834232, gnomAD 0.001%). This variant has not been reported in the literature in individuals affected with CAPN1-related conditions. Algorithms developed to predict the effect of missense changes on protein structure and function are either unavailable or do not agree on the potential impact of this missense change (SIFT: "Tolerated"; PolyPhen-2: "Possibly Damaging"; Align-GVGD: "Class C0"). In summary, the available evidence is currently insufficient to determine the role of this variant in disease. Therefore, it has been classified as a Variant of Uncertain Significance.